The following is an entry in ClinVar:

ClinVar aggregate classification (germline): Uncertain significance (1 of 4 stars; one submission).

Conditions:
Hereditary cancer-predisposing syndrome. Also called: Neoplastic Syndromes, Hereditary; Tumor predisposition; Hereditary Cancer Syndrome; Hereditary neoplastic syndrome. Identifiers: Orphanet 140162, MedGen C0027672, MeSH D009386, MONDO:0015356.

gnomAD v4.1: 1 of 1,613,948 alleles (0.000062%); highest among the groups gnomAD compares: Non-Finnish European, 0.000085%; no homozygotes.

Submission:

Ambry Genetics
Classification: Uncertain significance for Hereditary cancer-predisposing syndrome. Last evaluated: 2025-11-05. Review status: criteria provided, single submitter. Criteria: Ambry Variant Classification Scheme 2023. Collection method: clinical testing. Allele origin: germline.
Comment: The p.M457V variant (also known as c.1369A>G), located in coding exon 10 of the POLD1 gene, results from an A to G substitution at nucleotide position 1369. The methionine at codon 457 is replaced by valine, an amino acid with highly similar properties. This amino acid position is conserved. In addition, this alteration is predicted to be tolerated by in silico analysis. Based on the available evidence, the clinical significance of this variant remains unclear.

NM_002691.4(POLD1):c.1369A>G (p.Met457Val)

Gene: POLD1 (DNA polymerase delta 1, catalytic subunit; plus strand). Cytogenetic location: 19q13.33.
Variant type: single nucleotide variant.
Coding change: c.1369A>G on transcript NM_002691.4 (MANE Select); coding-DNA position 1369, A replaced by G.
Protein change: p.Met457Val; replaces methionine 457 with valine.
Molecular consequence: missense variant. On other transcripts: non-coding transcript variant (1).
Genome position (GRCh38, 1-based): chr19:50,406,308, A>G. VCF-style: chr19-50406308-A-G. GRCh37 (hg19) VCF-style: chr19-50909565-A-G.
Other names: c.1369A>G, p.Met457Val (NM_001256849.1, NM_001308632.1, NM_001438210.1 and 3 more transcripts); short protein forms M457V.
Identifiers: ClinVar variation 4669269 (VCV004669269.1).
Genomic context (GRCh38, chr19:50,406,308, plus strand): 5'-CAGTCCAAGCAGACGGGCCGGCGGGACACCAAGGTTGTCAGCATGGTGGGCCGCGTGCAG[A>G]TGGACATGCTGCAGGTATGGGCGGGAGGTGGGGTGTGTCCCTGTCCTTGGAAGGCCACTG-3'
Protein context (NP_002682.2, residues 447-467): KVVSMVGRVQ[Met457Val]DMLQVLLREY